The following is an entry in ClinVar:

NM_000329.3(RPE65):c.1003G>T (p.Glu335Ter)

Gene: RPE65 (retinoid isomerohydrolase RPE65; minus strand). Cytogenetic location: 1p31.3.
Variant type: single nucleotide variant.
Coding change: c.1003G>T on transcript NM_000329.3 (MANE Select); coding-DNA position 1003, G replaced by T.
Protein change: p.Glu335Ter; replaces glutamic acid 335 with a stop codon.
Molecular consequence: nonsense.
Genome position (GRCh38, 1-based): chr1:68,438,312, C>A on the plus strand (G>T on the coding strand, the complement: RPE65 is on the minus strand). VCF-style: chr1-68438312-C-A. GRCh37 (hg19) VCF-style: chr1-68903995-C-A.
Other names: c.895G>T, p.Glu299Ter (NM_001406853.1); c.727G>T, p.Glu243Ter (NM_001406856.1, NM_001406857.1); c.1003G>T, p.Glu335Ter (NM_001406859.1); short protein forms E243*, E299*, E335*.
Identifiers: ClinVar variation 5013730 (VCV005013730.1).

ClinVar aggregate classification (germline): Pathogenic (1 of 4 stars; one submission).

Conditions:
RPE65-related recessive retinopathy. Also called: Recessive RPE65 retinopathy. Identifiers: MedGen CN305526, MONDO:0100368.

Submission:

Myriad Genetics, Inc.
Classification: Pathogenic for RPE65-related recessive retinopathy. Last evaluated: 2024-11-26. Review status: criteria provided, single submitter. Criteria: Myriad Autosomal Dominant, Autosomal Recessive and X-Linked Classification Criteria (2023). Collection method: clinical testing. Allele origin: unknown.
Comment: NM_000329.2(RPE65):c.1003G>T(E335*) is expected to be pathogenic in the context of inherited retinal dystrophy, RPE65-related. This variant is predicted to lead to an abnormal or absent protein product due to the creation of a premature termination codon in RPE65, a gene where loss-of-function variants are known to be pathogenic. Please note: this variant was assessed in the context of healthy population screening.